The following is an entry in ClinVar:

NM_138817.3(SLC7A13):c.1155A>T (p.Glu385Asp)

Gene: SLC7A13 (solute carrier family 7 member 13; minus strand). Cytogenetic location: 8q21.3.
Variant type: single nucleotide variant.
Coding change: c.1155A>T on transcript NM_138817.3 (MANE Select); coding-DNA position 1155, A replaced by T.
Protein change: p.Glu385Asp; replaces glutamic acid 385 with aspartic acid.
Molecular consequence: missense variant.
Genome position (GRCh38, 1-based): chr8:86,217,494, T>A on the plus strand (A>T on the coding strand, the complement: SLC7A13 is on the minus strand). VCF-style: chr8-86217494-T-A. GRCh37 (hg19) VCF-style: chr8-87229723-T-A.
Other names: c.1155A>T (NM_138817.2); short protein forms E385D.
Identifiers: ClinVar variation 1478089 (VCV001478089.7), dbSNP rs202015119, ClinGen allele CA4797634.
Genomic context (GRCh38, chr8:86,217,494, plus strand): 5'-ATTTCACACAGAAAAGAATTAGAAATCCAATTTTACCTTATAAGGTATAGATAGATTGGG[T>A]TCCTGGTATCTCCGCCTTAGTATTCCTATCATTAATAATATAGACCATAATGAACCCGTG-3'
Protein context (NP_620172.2, residues 375-395): MIGILRRRYQ[Glu385Asp]PNLSIPYKVF

ClinVar aggregate classification (germline): Uncertain significance. Review status: criteria provided, multiple submitters, no conflicts (2 of 4 stars). 2 submissions from 2 submitters: Uncertain significance (2). Last evaluated 2025-02-10.

Allele frequency attached by ClinVar (database versions not stated): gnomAD 0.00003; TOPMed 0.00003; ESP Exome Variant Server 0.00008; 1000 Genomes Project 30x 0.00016; 1000 Genomes Project 0.00020.

Submissions (2):

Labcorp Genetics (formerly Invitae), Labcorp
Classification: Uncertain significance. Last evaluated: 2025-02-10. Review status: criteria provided, single submitter. Criteria: Invitae Variant Classification Sherloc (09022015). Collection method: clinical testing. Allele origin: germline.
Comment: This sequence change replaces glutamic acid, which is acidic and polar, with aspartic acid, which is acidic and polar, at codon 385 of the SLC7A13 protein (p.Glu385Asp). This variant is present in population databases (rs202015119, gnomAD 0.008%). This variant has not been reported in the literature in individuals affected with SLC7A13-related conditions. ClinVar contains an entry for this variant (Variation ID: 1478089). An algorithm developed to predict the effect of missense changes on protein structure and function (PolyPhen-2) suggests that this variant is likely to be tolerated. In summary, the available evidence is currently insufficient to determine the role of this variant in disease. Therefore, it has been classified as a Variant of Uncertain Significance.

Ambry Genetics
Classification: Uncertain significance. Last evaluated: 2024-03-18. Review status: criteria provided, single submitter. Criteria: Ambry Variant Classification Scheme 2023. Collection method: clinical testing. Allele origin: germline.